The following is an entry in ClinVar:

ClinVar aggregate classification (germline): Pathogenic (1 of 4 stars; one submission).

Conditions:
Hereditary nonpolyposis colorectal neoplasms. Identifiers: MedGen C0009405, MeSH D003123.

Submission:

Labcorp Genetics (formerly Invitae), Labcorp
Classification: Pathogenic for Hereditary nonpolyposis colorectal neoplasms. Last evaluated: 2025-07-30. Review status: criteria provided, single submitter. Criteria: Invitae Variant Classification Sherloc (09022015). Collection method: clinical testing. Allele origin: germline.
Comment: This sequence change creates a premature translational stop signal (p.Arg1172Metfs*5) in the MSH6 gene. It is expected to result in an absent or disrupted protein product. Loss-of-function variants in MSH6 are known to be pathogenic (PMID: 18269114, 24362816). This variant is not present in population databases (gnomAD no frequency). This variant has not been reported in the literature in individuals affected with MSH6-related conditions. ClinVar contains an entry for this variant (Variation ID: 2755240). For these reasons, this variant has been classified as Pathogenic.

Literature cited by the submitters: PubMed 18269114; PubMed 24362816.

NM_000179.3(MSH6):c.3514_3515insT (p.Arg1172fs)

Gene: MSH6 (mutS homolog 6; plus strand). Cytogenetic location: 2p16.3.
Variant type: Insertion.
Coding change: c.3514_3515insT on transcript NM_000179.3 (MANE Select); coding-DNA positions 3514 to 3515, T inserted.
Protein change: p.Arg1172fs; shifts the reading frame from arginine 1172.
Molecular consequence: frameshift variant. On other transcripts: non-coding transcript variant (4).
Genome position: GRCh38 VCF-style: chr2-47804985-A-AT. GRCh37 (hg19) VCF-style: chr2-48032124-A-AT.
Other names: c.3436_3437insT, p.Arg1146fs (NM_001406804.1); c.3217_3218insT, p.Arg1073fs (NM_001406805.1, NM_001406824.1, NM_001406825.1 and 10 more transcripts); c.2989_2990insT, p.Arg997fs (NM_001406806.1, NM_001406807.1, NM_001406799.1); c.3514_3515insT, p.Arg1172fs (NM_001406808.1, NM_001406809.1, NM_001406796.1 and 1 more transcripts); c.2608_2609insT, p.Arg870fs (NM_001406811.1, NM_001406812.1, NM_001406814.1 and 6 more transcripts); c.3520_3521insT, p.Arg1174fs (NM_001406813.1); c.3346_3347insT, p.Arg1116fs (NM_001406826.1); c.295_296insT, p.Arg99fs (NM_001406831.1); and 7 more; short protein forms R1073fs, R1204fs, R487fs, R650fs, R870fs, R997fs, R1114fs, R1116fs.
Identifiers: ClinVar variation 2755240 (VCV002755240.3), dbSNP rs2530804099, ClinGen allele CA2697548063.